The following is an entry in ClinVar:

NM_006005.3(WFS1):c.2615A>C (p.His872Pro)

Gene: WFS1 (wolframin ER transmembrane glycoprotein; plus strand). Cytogenetic location: 4p16.1.
Variant type: single nucleotide variant.
Coding change: c.2615A>C on transcript NM_006005.3 (MANE Select); coding-DNA position 2615, A replaced by C.
Protein change: p.His872Pro; replaces histidine 872 with proline.
Molecular consequence: missense variant.
Genome position (GRCh38, 1-based): chr4:6,302,410, A>C. VCF-style: chr4-6302410-A-C. GRCh37 (hg19) VCF-style: chr4-6304137-A-C.
Other names: c.2615A>C, p.His872Pro (NM_001145853.1); short protein forms H872P.
Identifiers: ClinVar variation 1699897 (VCV001699897.7), dbSNP rs751835613, ClinGen allele CA356179488.
Genomic context (GRCh38, chr4:6,302,410, plus strand): 5'-CCCAGCTCTCACCCACCAGGCGGCACGTGAAGATCGAGCACGACTGGCGCAGCACCGTGC[A>C]TGGCGCCGTGAAGTTCGCCTTCGACTTCTTTTTCTTCCCATTCCTGTCGGCGGCCTGAGG-3'
Protein context (NP_005996.2, residues 862-882): KIEHDWRSTV[His872Pro]GAVKFAFDFF

ClinVar aggregate classification (germline): Uncertain significance. Review status: criteria provided, multiple submitters, no conflicts (2 of 4 stars). 3 submissions from 3 submitters: Uncertain significance (3). Last evaluated 2026-02-16.

Conditions:
Inborn genetic diseases. Identifiers: MedGen C0950123, MeSH D030342.

gnomAD v4.1: 6 of 1,613,110 alleles (0.00037%); highest among the groups gnomAD compares: African/African-American, 0.008%; no homozygotes.

Submissions (3):

Ambry Genetics
Classification: Uncertain significance for Inborn genetic diseases. Last evaluated: 2026-02-16. Review status: criteria provided, single submitter. Criteria: Ambry Variant Classification Scheme 2023. Collection method: clinical testing. Allele origin: germline.
Comment: The c.2615A>C (p.H872P) alteration is located in exon 8 (coding exon 7) of the WFS1 gene. This alteration results from a A to C substitution at nucleotide position 2615, causing the histidine (H) at amino acid position 872 to be replaced by a proline (P). Based on data from gnomAD, the C allele has an overall frequency of 0.001% (2/281654) total alleles studied. The highest observed frequency was 0.008% (2/24884) of African alleles. Based on insufficient or conflicting evidence, the clinical significance of this alteration remains unclear.

Labcorp Genetics (formerly Invitae), Labcorp
Classification: Uncertain significance. Last evaluated: 2022-11-20. Review status: criteria provided, single submitter. Criteria: Invitae Variant Classification Sherloc (09022015). Collection method: clinical testing. Allele origin: germline.
Comment: In summary, the available evidence is currently insufficient to determine the role of this variant in disease. Therefore, it has been classified as a Variant of Uncertain Significance. Advanced modeling of protein sequence and biophysical properties (such as structural, functional, and spatial information, amino acid conservation, physicochemical variation, residue mobility, and thermodynamic stability) has been performed at Invitae for this missense variant, however the output from this modeling did not meet the statistical confidence thresholds required to predict the impact of this variant on WFS1 protein function. ClinVar contains an entry for this variant (Variation ID: 1699897). This variant has not been reported in the literature in individuals affected with WFS1-related conditions. This variant is present in population databases (no rsID available, gnomAD 0.008%). This sequence change replaces histidine, which is basic and polar, with proline, which is neutral and non-polar, at codon 872 of the WFS1 protein (p.His872Pro).

GeneDx
Classification: Uncertain significance. Last evaluated: 2022-02-01. Review status: criteria provided, single submitter. Criteria: GeneDx Variant Classification Process June 2021. Collection method: clinical testing. Allele origin: germline. Affected: yes.
Comment: In silico analysis supports that this missense variant has a deleterious effect on protein structure/function; Has not been previously published as pathogenic or benign to our knowledge